The following is an entry in ClinVar:

ClinVar aggregate classification (germline): Pathogenic (1 of 4 stars; one submission).

Conditions:
Peroxisome biogenesis disorder. Identifiers: Orphanet 79189, MedGen C1832200, MONDO:0019234. Disease mechanism: loss of function.

Submission:

Myriad Genetics, Inc.
Classification: Pathogenic for Peroxisome biogenesis disorder. Last evaluated: 2025-03-07. Review status: criteria provided, single submitter. Criteria: Myriad Autosomal Dominant, Autosomal Recessive and X-Linked Classification Criteria (2023). Collection method: clinical testing. Allele origin: unknown.
Comment: NM_000466.2(PEX1):c.3242delT(L1081Rfs*24) is expected to be pathogenic in the context of peroxisome biogenesis disorder type 1. This variant is predicted to lead to an abnormal or absent protein product due to the creation of a premature termination codon in PEX1, a gene where loss-of-function variants are known to be pathogenic. Please note: this variant was assessed in the context of healthy population screening.

NM_000466.3(PEX1):c.3242del (p.Leu1081fs)

Genes: GATAD1 (GATA zinc finger domain containing 1; plus strand), PEX1 (peroxisomal biogenesis factor 1; minus strand). Cytogenetic location: 7q21.2.
Variant type: Deletion.
Coding change: c.3242del on transcript NM_000466.3 (MANE Select); coding-DNA position 3242, one base deleted (T; older notation c.3242delT).
Protein change: p.Leu1081fs; shifts the reading frame from leucine 1081.
Molecular consequence: frameshift variant.
Genome position (GRCh38, 1-based): chr7:92,491,468, A deleted on the plus strand (T on the coding strand, the reverse complement: PEX1 is on the minus strand). VCF-style (leftmost placement, unchanged base first): chr7-92491467-CA-C. GRCh37 (hg19) VCF-style: chr7-92120781-CA-C.
Other names: c.3071del, p.Leu1024fs (NM_001282677.2); c.2618del, p.Leu873fs (NM_001282678.2); short protein forms L1024fs, L1081fs, L873fs.
Identifiers: ClinVar variation 5014186 (VCV005014186.1).
Genomic context (GRCh38, chr7:92,491,467, plus strand): 5'-TTCTCCATCTCCAGCTGAATCGTCAGAGCCACTGCTATGGTTAAGAAAGACCATTGAAGA[CA>C]GACTTAGGTCACTATCAGAGCTGGAACTTCCATCCTAAAATACACAAAAGGACAACCAGT-3'